The following is an entry in ClinVar:

ClinVar aggregate classification (germline): Uncertain significance. Review status: criteria provided, multiple submitters, no conflicts (2 of 4 stars). 2 submissions from 2 submitters: Uncertain significance (2). Last evaluated 2023-03-20.

Allele frequency attached by ClinVar (database versions not stated): gnomAD exomes below 0.00001.

Submissions (2):

Labcorp Genetics (formerly Invitae), Labcorp
Classification: Uncertain significance. Last evaluated: 2023-03-20. Review status: criteria provided, single submitter. Criteria: Invitae Variant Classification Sherloc (09022015). Collection method: clinical testing. Allele origin: germline.
Comment: This sequence change replaces cysteine, which is neutral and slightly polar, with tyrosine, which is neutral and polar, at codon 82 of the NAA15 protein (p.Cys82Tyr). This variant is not present in population databases (gnomAD no frequency). This variant has not been reported in the literature in individuals affected with NAA15-related conditions. An algorithm developed to predict the effect of missense changes on protein structure and function (PolyPhen-2) suggests that this variant is likely to be disruptive. In summary, the available evidence is currently insufficient to determine the role of this variant in disease. Therefore, it has been classified as a Variant of Uncertain Significance.

GeneDx
Classification: Uncertain significance. Last evaluated: 2023-01-10. Review status: criteria provided, single submitter. Criteria: GeneDx Variant Classification Process June 2021. Collection method: clinical testing. Allele origin: germline. Affected: yes.
Comment: Not observed at significant frequency in large population cohorts (gnomAD); In silico analysis supports that this missense variant has a deleterious effect on protein structure/function; Has not been previously published as pathogenic or benign to our knowledge

NM_057175.5(NAA15):c.245G>A (p.Cys82Tyr)

Gene: NAA15 (N-alpha-acetyltransferase 15, NatA auxiliary subunit; plus strand). Cytogenetic location: 4q31.1.
Variant type: single nucleotide variant.
Coding change: c.245G>A on transcript NM_057175.5 (MANE Select); coding-DNA position 245, G replaced by A.
Protein change: p.Cys82Tyr; replaces cysteine 82 with tyrosine.
Molecular consequence: missense variant.
Genome position (GRCh38, 1-based): chr4:139,340,912, G>A. VCF-style: chr4-139340912-G-A. GRCh37 (hg19) VCF-style: chr4-140262066-G-A.
Other names: c.245G>A, p.Cys82Tyr (NM_001410842.1, NM_025085.2); short protein forms C82Y.
Identifiers: ClinVar variation 2571967 (VCV002571967.4), dbSNP rs2530368500, ClinGen allele CA358259480.
Genomic context (GRCh38, chr4:139,340,912, plus strand): 5'-GAGGTCGTTTGGAATAGTAATTTTTGACTTGTAGGTTGTACCCTTAACTAAATTCTTTAG[G>A]TTGGCACGTTTATGGCCTTCTTCAGAGGTCAGACAAGAAGTATGATGAAGCCATTAAGTG-3'
Protein context (NP_476516.1, residues 72-92): GLRNDLKSHV[Cys82Tyr]WHVYGLLQRS